The following is an entry in ClinVar:

ClinVar aggregate classification (germline): Uncertain significance (1 of 4 stars; one submission).

Conditions:
Early-infantile DEE. Also called: Ohtahara syndrome; Early infantile epileptic encephalopathy with suppression bursts; Early infantile epileptic encephalopathy. Identifiers: Orphanet 1934, MedGen C0393706, MONDO:0800491.

Submission:

Labcorp Genetics (formerly Invitae), Labcorp
Classification: Uncertain significance for Early-infantile DEE. Last evaluated: 2024-02-27. Review status: criteria provided, single submitter. Criteria: Invitae Variant Classification Sherloc (09022015). Collection method: clinical testing. Allele origin: germline.
Comment: This sequence change replaces arginine, which is basic and polar, with cysteine, which is neutral and slightly polar, at codon 820 of the ARHGEF15 protein (p.Arg820Cys). This variant is present in population databases (rs752135781, gnomAD 0.006%). This variant has not been reported in the literature in individuals affected with ARHGEF15-related conditions. An algorithm developed to predict the effect of missense changes on protein structure and function (PolyPhen-2) suggests that this variant is likely to be disruptive. In summary, the available evidence is currently insufficient to determine the role of this variant in disease. Therefore, it has been classified as a Variant of Uncertain Significance.

NM_173728.4(ARHGEF15):c.2458C>T (p.Arg820Cys)

Gene: ARHGEF15 (Rho guanine nucleotide exchange factor 15; plus strand). Cytogenetic location: 17p13.1.
Variant type: single nucleotide variant.
Coding change: c.2458C>T on transcript NM_173728.4 (MANE Select); coding-DNA position 2458, C replaced by T.
Protein change: p.Arg820Cys; replaces arginine 820 with cysteine.
Molecular consequence: missense variant.
Genome position (GRCh38, 1-based): chr17:8,320,925, C>T. VCF-style: chr17-8320925-C-T. GRCh37 (hg19) VCF-style: chr17-8224243-C-T.
Other names: c.2458C>T, p.Arg820Cys (NM_025014.2); short protein forms R820C.
Identifiers: ClinVar variation 3719709 (VCV003719709.2).